The following is an entry in ClinVar:

NC_000001.11:g.145919039C>G

Gene: PEX11B (peroxisomal biogenesis factor 11 beta; minus strand). Cytogenetic location: 1q21.1.
Variant type: single nucleotide variant.
Genome position: GRCh38 VCF-style: chr1-145919039-C-G. GRCh37 (hg19) VCF-style: chr1-145516050-G-C.
Identifiers: ClinVar variation 1683844 (VCV001683844.3), dbSNP rs113544221, ClinGen allele CA29817595.

ClinVar aggregate classification (germline): Likely benign. Review status: criteria provided, multiple submitters, no conflicts (2 of 4 stars). 2 submissions from 2 submitters: Likely benign (2). Last evaluated 2021-11-02.

Allele frequency attached by ClinVar (database versions not stated): gnomAD exomes 0.00165; gnomAD 0.00593 and 0.00612; TOPMed 0.00667; 1000 Genomes Project 0.00958; 1000 Genomes Project 30x 0.00968.

Submissions (2):

GeneDx
Classification: Likely benign. Last evaluated: 2021-11-02. Review status: criteria provided, single submitter. Criteria: GeneDx Variant Classification Process June 2021. Collection method: clinical testing. Allele origin: germline. Affected: yes.
Comment: See Variant Classification Assertion Criteria.

Breakthrough Genomics
Classification: Likely benign. Review status: criteria provided, single submitter. Criteria: ACMG Guidelines, 2015. Collection method: not provided. Allele origin: germline. Inheritance: Autosomal recessive inheritance. Affected: yes.